The following is an entry in ClinVar:

ClinVar aggregate classification (germline): Uncertain significance. Review status: criteria provided, single submitter (1 of 4 stars). 2 submissions from 2 submitters: Uncertain significance (1). 1 of the submissions does not count toward it. Last evaluated 2023-12-19.

Conditions:
HYAL1-related disorder. Also called: HYAL1-related condition.
Deficiency of hyaluronoglucosaminidase (MPS9). Also called: MPS IX; Mucopolysaccharidosis type 9; HYALURONIDASE DEFICIENCY. Identifiers: Orphanet 67041, MedGen C1291490, MONDO:0011093, OMIM 601492.

Allele frequency attached by ClinVar (database versions not stated): gnomAD exomes 0.00002; TOPMed 0.00003; gnomAD 0.00004.

Submissions (2):

Labcorp Genetics (formerly Invitae), Labcorp
Classification: Uncertain significance for Deficiency of hyaluronoglucosaminidase. Last evaluated: 2023-12-19. Review status: criteria provided, single submitter. Criteria: Invitae Variant Classification Sherloc (09022015). Collection method: clinical testing. Allele origin: germline.
Comment: This sequence change affects codon 300 of the HYAL1 mRNA. It is a 'silent' change, meaning that it does not change the encoded amino acid sequence of the HYAL1 protein. This variant also falls at the last nucleotide of exon 4, which is part of the consensus splice site for this exon. This variant is present in population databases (no rsID available, gnomAD 0.002%). This variant has not been reported in the literature in individuals affected with HYAL1-related conditions. ClinVar contains an entry for this variant (Variation ID: 2153547). Variants that disrupt the consensus splice site are a relatively common cause of aberrant splicing (PMID: 17576681, 9536098). Algorithms developed to predict the effect of sequence changes on RNA splicing suggest that this variant may disrupt the consensus splice site. In summary, the available evidence is currently insufficient to determine the role of this variant in disease. Therefore, it has been classified as a Variant of Uncertain Significance.

PreventionGenetics, part of Exact Sciences
Classification: Likely benign for HYAL1-related condition. Last evaluated: 2020-03-23. Review status: no assertion criteria provided. Collection method: clinical testing. Allele origin: germline. Not counted in ClinVar's aggregate classification.
Comment: This variant is classified as likely benign based on ACMG/AMP sequence variant interpretation guidelines (Richards et al. 2015 PMID: 25741868, with internal and published modifications).

Literature cited by the submitters: PubMed 17576681 (cited by Labcorp Genetics (formerly Invitae), Labcorp); PubMed 9536098 (cited by Labcorp Genetics (formerly Invitae), Labcorp).

NM_033159.4(HYAL1):c.900G>C (p.Leu300=)

Gene: HYAL1 (hyaluronidase 1; minus strand). Cytogenetic location: 3p21.31.
Variant type: single nucleotide variant.
Coding change: c.900G>C on transcript NM_033159.4 (MANE Select); coding-DNA position 900, G replaced by C.
Protein change: p.Leu300=; no amino-acid change (leucine 300 retained).
Molecular consequence: synonymous variant. On other transcripts: non-coding transcript variant (1).
Genome position (GRCh38, 1-based): chr3:50,302,057, C>G on the plus strand (G>C on the coding strand, the complement: HYAL1 is on the minus strand). VCF-style: chr3-50302057-C-G. GRCh37 (hg19) VCF-style: chr3-50339488-C-G.
Other names: c.900G>C (NM_153281.1); c.900G>C, p.Leu300= (NM_007312.3, NM_153281.2, NM_153282.3); c.354G>C, p.Leu118= (NM_153283.3); c.123G>C, p.Leu41= (NM_153285.3).
Identifiers: ClinVar variation 2153547 (VCV002153547.5), dbSNP rs1011078230, ClinGen allele CA74603428.
Genomic context (GRCh38, chr3:50,302,057, plus strand): 5'-GGCTGGACCTAATATCTGACAAGGCAGGTTGACAAGGTGGGCAGGTTACAGAAGACTCAC[C>G]AGGGGCAGAAAGTGGTTTGTCGTGTCATAGAAGATCTGGACATAGGGCAGCACCGGCAGA-3'
Protein context (NP_149349.2, residues 290-310): FYDTTNHFLP[Leu300=]DELEHSLGES